The following is an entry in ClinVar:

ClinVar aggregate classification (germline): Conflicting classifications of pathogenicity. Review status: criteria provided, conflicting classifications (1 of 4 stars). 3 submissions from 3 submitters: Uncertain significance (2); Benign (1). Last evaluated 2026-02-14.

Conditions:
Marfan syndrome (MFS). Also called: MARFAN SYNDROME, TYPE I; Marfan syndrome type 1; Marfan's syndrome; Marfan syndrome, classic; FBN1-Related Marfan Syndrome. Identifiers: Orphanet 284963, Orphanet 558, MedGen C0024796, MONDO:0007947, OMIM 154700.
Familial thoracic aortic aneurysm and aortic dissection (TAAD). Also called: Thoracic aortic aneurysms and dissections. Identifiers: Orphanet 91387, MedGen C4707243, MONDO:0019625.

Allele frequency attached by ClinVar (database versions not stated): gnomAD exomes below 0.00001; TOPMed 0.00002; gnomAD 0.00003.
gnomAD v4.1: 6 of 1,613,990 alleles (0.00037%); highest among the groups gnomAD compares: African/African-American, 0.0053%; no homozygotes.

Submissions (3):

Ambry Genetics
Classification: Uncertain significance for Familial thoracic aortic aneurysm and aortic dissection. Last evaluated: 2026-02-14. Review status: criteria provided, single submitter. Criteria: Ambry Variant Classification Scheme 2023. Collection method: clinical testing. Allele origin: germline.
Comment: The p.A2765T variant (also known as c.8293G>A), located in coding exon 65 of the FBN1 gene, results from a G to A substitution at nucleotide position 8293. The alanine at codon 2765 is replaced by threonine, an amino acid with similar properties. This amino acid position is conserved. In addition, this alteration is predicted to be tolerated by in silico analysis. Based on the available evidence, the clinical significance of this variant remains unclear.

All of Us Research Program, National Institutes of Health
Classification: Uncertain significance for Marfan syndrome. Last evaluated: 2024-09-13. Review status: criteria provided, single submitter. Criteria: ACMG Guidelines, 2015. Collection method: clinical testing. Allele origin: germline. Inheritance: Autosomal dominant inheritance. Observed: 2 variant alleles, 2 heterozygotes.
Comment: This missense variant replaces alanine with threonine at codon 2765 of the FBN1 protein. Computational prediction suggests that this variant may not impact protein structure and function (internally defined REVEL score threshold <= 0.5, PMID: 27666373). To our knowledge, functional studies have not been reported for this variant. This variant has not been reported in individuals affected with FBN1-related disorders in the literature. This variant has been identified in 1/31396 chromosomes in the general population by the Genome Aggregation Database (gnomAD). The available evidence is insufficient to determine the role of this variant in disease conclusively. Therefore, this variant is classified as a Variant of Uncertain Significance.

This study involves interpretation of variants in research participants for the purpose of population health screening. Participant phenotype was not available at the time of variant classification. Additional details can be found in publication PMID: 35346344, PMCID: PMC8962531

Labcorp Genetics (formerly Invitae), Labcorp
Classification: Benign for Marfan syndrome; Familial thoracic aortic aneurysm and aortic dissection. Last evaluated: 2023-11-24. Review status: criteria provided, single submitter. Criteria: Invitae Variant Classification Sherloc (09022015). Collection method: clinical testing. Allele origin: germline.

NM_000138.5(FBN1):c.8293G>A (p.Ala2765Thr)

Gene: FBN1 (fibrillin 1; minus strand). Cytogenetic location: 15q21.1.
Variant type: single nucleotide variant.
Coding change: c.8293G>A on transcript NM_000138.5 (MANE Select); coding-DNA position 8293, G replaced by A.
Protein change: p.Ala2765Thr; replaces alanine 2765 with threonine.
Molecular consequence: missense variant.
Genome position (GRCh38, 1-based): chr15:48,411,313, C>T on the plus strand (G>A on the coding strand, the complement: FBN1 is on the minus strand). VCF-style: chr15-48411313-C-T. GRCh37 (hg19) VCF-style: chr15-48703510-C-T.
Other names: c.8293G>A, p.Ala2765Thr (NM_001406716.1); short protein forms A2765T.
Identifiers: ClinVar variation 2935651 (VCV002935651.6), dbSNP rs1008093328, ClinGen allele CA269518601.